The following is an entry in ClinVar:

NM_000234.3(LIG1):c.2146A>G (p.Lys716Glu)

Gene: LIG1 (DNA ligase 1; minus strand). Cytogenetic location: 19q13.33.
Variant type: single nucleotide variant.
Coding change: c.2146A>G on transcript NM_000234.3 (MANE Select); coding-DNA position 2146, A replaced by G.
Protein change: p.Lys716Glu; replaces lysine 716 with glutamic acid.
Molecular consequence: missense variant. On other transcripts: non-coding transcript variant (6).
Genome position (GRCh38, 1-based): chr19:48,123,177, T>C on the plus strand (A>G on the coding strand, the complement: LIG1 is on the minus strand). VCF-style: chr19-48123177-T-C. GRCh37 (hg19) VCF-style: chr19-48626434-T-C.
Other names: c.2053A>G, p.Lys685Glu (NM_001289063.2); c.1942A>G, p.Lys648Glu (NM_001289064.2); c.2143A>G, p.Lys715Glu (NM_001320970.2); c.2056A>G, p.Lys686Glu (NM_001320971.2); short protein forms K648E, K716E, K715E, K686E, K685E.
Identifiers: ClinVar variation 2092817 (VCV002092817.4), dbSNP rs201550323, ClinGen allele CA309281057.
Genomic context (GRCh38, chr19:48,123,177, plus strand): 5'-GGAGGCCGGGGTCAGCGCAAGCTGCAGACCTCAGGAGAGAAAAGTGAGCACCCTCACCTT[T>C]CACTGACTGCTCCAGGAACTCGGCGATCTGCTCGATGTCCTTGGTGTCCAGGGAGGTGGC-3'
Protein context (NP_000225.1, residues 706-726): QIAEFLEQSV[Lys716Glu]DSCEGLMVKT

ClinVar aggregate classification (germline): Uncertain significance (1 of 4 stars; one submission).

Allele frequency attached by ClinVar (database versions not stated): gnomAD exomes below 0.00001; gnomAD 0.00001; 1000 Genomes Project 30x 0.00016; 1000 Genomes Project 0.00020.
gnomAD v4.1: 3 of 1,613,964 alleles (0.00019%); highest among the groups gnomAD compares: Non-Finnish European, 0.00025%; no homozygotes.

Submission:

Labcorp Genetics (formerly Invitae), Labcorp
Classification: Uncertain significance. Last evaluated: 2022-02-04. Review status: criteria provided, single submitter. Criteria: Invitae Variant Classification Sherloc (09022015). Collection method: clinical testing. Allele origin: germline.
Comment: This sequence change replaces lysine, which is basic and polar, with glutamic acid, which is acidic and polar, at codon 716 of the LIG1 protein (p.Lys716Glu). In summary, the available evidence is currently insufficient to determine the role of this variant in disease. Therefore, it has been classified as a Variant of Uncertain Significance. Algorithms developed to predict the effect of missense changes on protein structure and function are either unavailable or do not agree on the potential impact of this missense change (SIFT: "Deleterious"; PolyPhen-2: "Possibly Damaging"; Align-GVGD: "Class C0"). This variant has not been reported in the literature in individuals affected with LIG1-related conditions. This variant is not present in population databases (gnomAD no frequency).